The following continues an entry in ClinVar:

NM_000492.4(CFTR):c.2002C>T (p.Arg668Cys)

Gene: CFTR. ClinVar aggregate classification (germline): Conflicting classifications of pathogenicity. Pathogenic (2); Uncertain significance (16); Benign (3); Likely benign (4).

Submissions 12 to 21 of 30:

ARUP Laboratories, Molecular Genetics and Genomics, ARUP Laboratories
Classification: Uncertain significance. Last evaluated: 2023-11-10. Review status: criteria provided, single submitter. Criteria: ARUP Molecular Germline Variant Investigation Process 2024. Collection method: clinical testing. Allele origin: germline.
Comment: The CFTR c.2002C>T; p.Arg668Cys variant (rs1800100) was first reported in patients diagnosed with cystic fibrosis, but failed to segregate with the disorder (Fanen 1992). This variant was also found in cis with another pathogenic variant (Dork 1994), and was later identified in multiple patients with bronchiectasis (Pignatti 1995, Ziedalski 2006), chronic pancreatitis (Steiner 2011, El-Seedy 2012, Masson 2013) and congenital bilateral absence of vas deferens (Chillon 1995, Dork 1997, Grangeia 2018, Schrijver 2005, Steiner 2011), often found in cis with the p.Gly576Ala variant. Functional studies indicate that the p.Arg668Cys variant protein has reduced chloride transport (approximately 50 percent of wildtype) (Salinas 2015, Sosnay 2013, Van Goor 2014). However, the p.Arg668Cys variant has been observed in healthy individuals who have a pathogenic CFTR variant on the other chromosome, though its prevalence in patients with CFTR-related disorders means a mild effect cannot be ruled out (El-Seedy 2012). This variant is listed in ClinVar (Variation ID: 35832), and is observed in the general population with an overall allele frequency of 0.60% (1,683/281,496 alleles, including 6 homozygotes) in the Genome Aggregation Database. The arginine at residue 668 is highly conserved, and computational analyses predict that this variant is deleterious (REVEL: 0.701). Due to conflicting information, the clinical significance of the p.Arg668Cys variant is uncertain at this time. References: Chillon M et al. Mutations in the cystic fibrosis gene in patients with congenital absence of the vas deferens. N Engl J Med. 1995. 332(22):1475-80. PMID: 7739684. Dork T et al. Detection of more than 50 different CFTR mutations in a large group of German cystic fibrosis patients. Hum Genet. 1994. 94(5):533-42. PMID: 7525450. Dork T et al. Distinct spectrum of CFTR gene mutations in congenital absence of vas deferens. Hum Genet. 1997. 100(3-4):365-77. PMID: 9272157. El-Seedy A et al. CFTR mutation combinations producing frequent complex alleles with different clinical and functional outcomes. Hum Mutat. 2012. 33(11):1557-65. PMID: 22678879. Fanen P et al. Molecular characterization of cystic fibrosis: 16 novel mutations identified by analysis of the whole cystic fibrosis conductance transmembrane regulator (CFTR) coding regions and splice site junctions. Genomics. 1992. 13(3):770-6. PMID: 1379210. Grangeia A et al. Spectrum of CFTR gene sequence variants in a northern Portugal population. Pulmonology. 2018;24(1):3-9. PMID: 29589582. Masson E et al. A conservative assessment of the major genetic causes of idiopathic chronic pancreatitis: data from a comprehensive analysis of PRSS1, SPINK1, CTRC and CFTR genes in 253 young French patients. PLoS One. 2013. 8(8):e73522. PMID: 23951356. Pignatti P et al. Increased incidence of cystic fibrosis gene mutations in adults with disseminated bronchiectasis. Hum Mol Genet. 1995. 4(4):635-9. PMID: 7543317. Salinas D et al. Benign outcome among positive cystic fibrosis newborn screen children with non-CF-causing variants. J Cyst Fibros. 2015. 14(6):714-9. PMID: 25824995. Schrijver I et al. Diagnostic testing by CFTR gene mutation analysis in a large group of Hispanics: novel mutations and assessment of a population-specific mutation spectrum. J Mol Diagn. 2005. 7(2):289-99. PMID: 15858154. Sosnay PR et al. Defining the disease liability of variants in the cystic fibrosis transmembrane conductance regulator gene. Nat Genet. 2013. 45(10):1160-7. PMID: 23974870. Steiner B et al Common CFTR haplotypes and susceptibility to chronic pancreatitis and congenital bilateral absence of the vas deferens. Hum Mutat. 2011. 32(8):912-20. PMID: 21520337. Van Goor F et al. Effect of ivacaftor on CFTR forms with missense mutations associated with defects in protein processing or function. J Cyst Fibros. 2014. 13(1):29-36. PMID: 23891399. Ziedalski T et al. Prospective analysis of cystic fibrosis transmembrane regulator mutations in adults with bronchiectasis or pulmonary nontuberculous mycobacterial infection. Chest. 2006. 130(4):995-1002. PMID: 17035430.

PreventionGenetics, part of Exact Sciences
Classification: Uncertain significance for CFTR-related condition. Last evaluated: 2023-10-11. Review status: criteria provided, single submitter. Criteria: ACMG Guidelines, 2015. Collection method: clinical testing. Allele origin: germline.
Comment: The CFTR c.2002C>T variant is predicted to result in the amino acid substitution p.Arg668Cys. Both the c.1727G>C (p.Gly576Ala) and c.2002C>T (p.Arg668Cys) variants individually are found with global minor allele frequencies of >0.5%, including several homozygotes. Additionally, these two variants individually have been classified as non-CFTR disease-causing in a separate study (see supplemental table 2 in Sosnay et al. 2013. PubMed ID: 23974870). When these variants are present on the same allele, designated as c.[1727G>C, 2002C>T], this complex allele has been reported in patients with pancreatitis and other CFTR-related disorders, including pulmonary disease and congenital bilateral absence of the vas deferens (see for example Gallati et al. 2009. PubMed ID: 20021716; Masson et al. 2013. PubMed ID: 23951356; El-Seedy et al. 2012. PubMed ID: 22678879). Functional studies of the c.[1727G>C; 2002C>T] variant in HeLa cells showed no impairment of CFTR glycosylation or membrane localization, but decreased chloride channel activity (El-Seedy et al. 2012. PubMed ID: 22678879). Due to conflicting findings, the clinical significance of the c.1727G>C and c.2002C>T variants is currently uncertain.

Genetics and Molecular Pathology, SA Pathology
Classification: Uncertain significance for Cystic fibrosis. Last evaluated: 2023-03-27. Review status: criteria provided, single submitter. Criteria: ACMG Guidelines, 2015. Collection method: clinical testing. Allele origin: germline. Inheritance: Autosomal recessive inheritance. Affected: yes.
Comment: The CFTR c.2002C>T variant is classified as a VARIANT OF UNCERTAIN SIGNIFICANCE (BS2, PS3_Supporting, PP3) The CFTR c.2002C>T variant is a single nucleotide change in exon 14/27 of the CFTR gene, which is predicted to change the amino acid arginine at position 668 in the protein to cysteine. This variant has been observed in a healthy control population at a frequency which is inconsistent with expectations given the high penetrance of this condition under curation (gnomAD 921 HET, 3 homs in 152166 sequenced alleles, highest allele frequency 1%) (BS2). Functional studies have shown that the variant results in reduced chloride transport (PMID:23891399) and may effect splicing (PMID:25797027) (PS3_supporting). Computational predictions support a deleterious effect on the gene or gene product (PP3). The variant has been reported in dbSNP (rs1800100) and as ?disease causing in the HGMD database (CM950247). It has been reported as Conflicting interpretations of pathogenicity by other diagnostic laboratories (ClinVar Variation ID: 35835) and in the CFTR2 database as not cystic fibrosis causing variant but may be associated with a CFTR-related disorder. The variant is frequently observed with other CFTR variants such as p.Asp443Tyr, p.Gly149Arg, p.Gly576Ala, on the same chromosome which are considered complex alleles that are of clinical significance to CFTR-related disorders (PMID:22678879, PMID:7739684). The variant has been observed together with a CFTR disease-causing variant in patients with congenital bilateral absence of vas deferens (CBAVD) (PMID:7739684) as has the complex allele p.Gly149Arg;p.Gly576Ala;p.Arg668Cys (PMID:22678879).

Genome-Nilou Lab
Classification: Uncertain significance for Cystic fibrosis. Last evaluated: 2021-05-18. Review status: criteria provided, single submitter. Criteria: ACMG Guidelines, 2015. Collection method: clinical testing. Allele origin: germline. Affected: no.

Sema4
Classification: Likely benign for Hereditary pancreatitis. Last evaluated: 2020-12-08. Review status: criteria provided, single submitter. Criteria: Sema4 Curation Guidelines. Collection method: curation. Allele origin: germline.

Genome Diagnostics Laboratory, The Hospital for Sick Children
Classification: Benign for Cystic fibrosis. Last evaluated: 2020-09-16. Review status: criteria provided, single submitter. Criteria: ACMG Guidelines, 2015. Collection method: clinical testing. Allele origin: germline.

Johns Hopkins Genomics, Johns Hopkins University
Classification: Benign for Cystic fibrosis. Last evaluated: 2019-12-08. Review status: criteria provided, single submitter. Criteria: ACMG Guidelines, 2015. Collection method: clinical testing. Allele origin: germline.

Eurofins Ntd Llc (ga)
Classification: Uncertain significance. Last evaluated: 2018-07-27. Review status: criteria provided, single submitter. Criteria: EGL ClinVar v180209 classification definitions. Collection method: clinical testing. Allele origin: germline. Observed: 57 variant alleles, 55 heterozygotes, 1 homozygote.

GeneDx
Classification: Uncertain significance. Last evaluated: 2018-06-06. Review status: criteria provided, single submitter. Criteria: GeneDx Variant Classification (06012015). Collection method: clinical testing. Allele origin: germline. Affected: yes.
Comment: The R668C variant has also been reported, predominantly as a complex allele in cis with G576A, in multiple patients with non-classical cystic fibrosis, including late-onset pulmonary disease, congenital bilateral absence of the vas deferens (CBAVD), or idiopathic pancreatitis (ChillÃ³n et al., 1995; Steiner et al., 2011; El-Seedy et al., 2012). In vitro functional studies of R668C demonstrated a mild but significant reduction of CFTR chloride conductance with a significant response to the drug Ivacaftor (Van Goor et al., 2014; El-Seedy et al., 2012). The R668C variant is a non-conservative amino acid substitution, which occurs at a position that is conserved across species. However, the R668C variant is observed in 609/65,954 alleles (0.9%) alleles from individuals of European (non-Finnish) background including one homozygous individual in the ExAC dataset (Lek et al., 2016). In addition, the R668C variant has been reported in multiple unaffected individuals and likely exhibits incomplete penetrance (Steiner et al., 2011; Sosnay et al., 2013). We interpret R668C as a variant of uncertain significance.

CFTR-France
Classification: Pathogenic for CFTR-related disorders. Last evaluated: 2018-03-26. Review status: criteria provided, single submitter. Criteria: Claustres M et al. (Hum Mutat 2017). Collection method: curation. Allele origin: germline. Affected: yes.